The following is an entry in ClinVar:

ClinVar aggregate classification (germline): Likely benign (1 of 4 stars; one submission).

Allele frequency attached by ClinVar (database versions not stated): gnomAD exomes 0.00001.
gnomAD v4.1: 11 of 1,613,980 alleles (0.00068%); highest among the groups gnomAD compares: Non-Finnish European, 0.00093%; no homozygotes.

Submission:

CeGaT Center for Human Genetics Tuebingen
Classification: Likely benign. Last evaluated: 2022-05-01. Review status: criteria provided, single submitter. Criteria: CeGaT Center For Human Genetics Tuebingen Variant Classification Criteria Version 2. Collection method: clinical testing. Allele origin: germline. Affected: yes. Observed: 1 variant allele.
Comment: MAPKBP1: BP4, BP7

NM_014994.3(MAPKBP1):c.900C>T (p.Asn300=)

Gene: MAPKBP1 (mitogen-activated protein kinase binding protein 1; plus strand). Cytogenetic location: 15q15.1.
Variant type: single nucleotide variant.
Coding change: c.900C>T on transcript NM_014994.3 (MANE Select); coding-DNA position 900, C replaced by T.
Protein change: p.Asn300=; no amino-acid change (asparagine 300 retained).
Molecular consequence: synonymous variant. On other transcripts: non-coding transcript variant (2).
Genome position (GRCh38, 1-based): chr15:41,813,701, C>T. VCF-style: chr15-41813701-C-T. GRCh37 (hg19) VCF-style: chr15-42105899-C-T.
Other names: c.918C>T, p.Asn306= (NM_001128608.2); c.900C>T, p.Asn300= (NM_001265611.2).
Identifiers: ClinVar variation 2645196 (VCV002645196.24), dbSNP rs1424113005, ClinGen allele CA489837755.